The following is an entry in ClinVar:

ClinVar aggregate classification (germline): Likely benign. Review status: criteria provided, multiple submitters, no conflicts (2 of 4 stars). 2 submissions from 2 submitters: Likely benign (2). Last evaluated 2025-12-27.

Conditions:
Primary dilated cardiomyopathy (DCM). Also called: Dilated Cardiomyopathy. Identifiers: Orphanet 217604, MedGen C0007193, MeSH D002311, MONDO:0005021, HP:0001644. Inheritance: Various modes of inheritance.

Allele frequency attached by ClinVar (database versions not stated): gnomAD exomes 0.00010; ExAC 0.00018; gnomAD 0.00041 and 0.00044; 1000 Genomes Project 30x 0.00047; TOPMed 0.00048; ESP Exome Variant Server 0.00049; 1000 Genomes Project 0.00060.
gnomAD v4.1: 110 of 1,606,108 alleles (0.0068%); highest among the groups gnomAD compares: African/African-American, 0.13%; no homozygotes.

Submissions (2):

Labcorp Genetics (formerly Invitae), Labcorp
Classification: Likely benign for Primary dilated cardiomyopathy. Last evaluated: 2025-12-27. Review status: criteria provided, single submitter. Criteria: Invitae Variant Classification Sherloc (09022015). Collection method: clinical testing. Allele origin: germline.

GeneDx
Classification: Likely benign. Last evaluated: 2017-08-09. Review status: criteria provided, single submitter. Criteria: GeneDx Variant Classification (06012015). Collection method: clinical testing. Allele origin: germline. Affected: yes.
Comment: This variant is considered likely benign or benign based on one or more of the following criteria: it is a conservative change, it occurs at a poorly conserved position in the protein, it is predicted to be benign by multiple in silico algorithms, and/or has population frequency not consistent with disease.

NM_006440.5(TXNRD2):c.592-17C>A

Gene: TXNRD2 (thioredoxin reductase 2; minus strand). Cytogenetic location: 22q11.21.
Variant type: single nucleotide variant.
Coding change: c.592-17C>A on transcript NM_006440.5 (MANE Select); 17 bases into the intron before coding-DNA position 592, C replaced by A.
Molecular consequence: intron variant.
Genome position (GRCh38, 1-based): chr22:19,911,464, G>T on the plus strand (C>A on the coding strand, the complement: TXNRD2 is on the minus strand). VCF-style: chr22-19911464-G-T. GRCh37 (hg19) VCF-style: chr22-19898987-G-T.
Other names: c.589-17C>A (NM_001352300.2); c.304-17C>A (NM_001352302.2); c.502-17C>A (NM_001352301.2); c.592-17C>A (NM_001282512.3); c.496-17C>A (NM_001352303.2).
Identifiers: ClinVar variation 511300 (VCV000511300.9), dbSNP rs375350567, ClinGen allele CA10104090.
Genomic context (GRCh38, chr22:19,911,464, plus strand): 5'-AAGATGTCATCACTTGTGATTCCATATTCCAAGGCACCTTCGATCTGTCAAGACAGAAAT[G>T]ACCCCTTGGACAAGAGCTCCATTTGGCCTGTCCTAGGGCTTCCTTAAAGAGGATGCCAGC-3'